The following is an entry in ClinVar:

ClinVar aggregate classification (germline): Uncertain significance (1 of 4 stars; one submission).

Conditions:
Cornelia de Lange syndrome 1 (CDLS1). Also called: Brachmann de Lange syndrome; NIPBL-Related Cornelia de Lange Syndrome; TYPUS DEGENERATIVUS AMSTELODAMENSIS. Identifiers: Orphanet 199, MedGen C4551851, MONDO:0007387, OMIM 122470.

Submission:

Victorian Clinical Genetics Services, Murdoch Childrens Research Institute
Classification: Uncertain significance for Cornelia de Lange syndrome 1. Last evaluated: 2023-12-21. Review status: criteria provided, single submitter. Criteria: ACMG Guidelines, 2015. Collection method: clinical testing. Allele origin: germline. Inheritance: Autosomal dominant inheritance. Affected: yes.
Comment: Based on the classification scheme VCGS_Germline_v1.3.4, this variant is classified as VUS-3A. Following criteria are met: 0102 - Loss of function is a known mechanism of disease in this gene and is associated with Cornelia de Lange syndrome 1 (MIM#122470). (I) 0107 - This gene is associated with autosomal dominant disease. (I) 0200 - Variant is predicted to result in a missense amino acid change from arginine to glycine. (I) 0251 - This variant is heterozygous. (I) 0301 - Variant is absent from gnomAD (both v2 and v3). (SP) 0501 - Missense variant consistently predicted to be damaging by multiple in silico tools or highly conserved with a major amino acid change. (SP) 0604 - Variant is not located in an established domain, motif, hotspot or informative constraint region. (I) 0705 - No comparable missense variants have previous evidence for pathogenicity. (I) 0807 - This variant has no previous evidence of pathogenicity. (I) 0905 - No published segregation evidence has been identified for this variant. (I) 1007 - No published functional evidence has been identified for this variant. (SP) Legend: (SP) - Supporting pathogenic, (I) - Information, (SB) - Supporting benign

NM_133433.4(NIPBL):c.874A>G (p.Arg292Gly)

Gene: NIPBL (NIPBL cohesin loading factor; plus strand). Cytogenetic location: 5p13.2.
Variant type: single nucleotide variant.
Coding change: c.874A>G on transcript NM_133433.4 (MANE Select); coding-DNA position 874, A replaced by G.
Protein change: p.Arg292Gly; replaces arginine 292 with glycine.
Molecular consequence: missense variant.
Genome position (GRCh38, 1-based): chr5:36,975,781, A>G. VCF-style: chr5-36975781-A-G. GRCh37 (hg19) VCF-style: chr5-36975883-A-G.
Other names: c.874A>G, p.Arg292Gly (NM_015384.5); short protein forms R292G.
Identifiers: ClinVar variation 3255021 (VCV003255021.1), dbSNP rs2479122663.
Genomic context (GRCh38, chr5:36,975,781, plus strand): 5'-TGTAAGAAAATGTGAAACCACCACAACTGTTACTTCTATCGAATTATTTTTCTAGGCTCA[A>G]GACCACCTTTAATCCTACAATCTCAGTCTCTACCTTGTTCATCACCTCGAGATGTTCCAC-3'
Protein context (NP_597677.2, residues 282-302): AGSEGTPKGS[Arg292Gly]PPLILQSQSL